The following is an entry in ClinVar:

NM_024301.5(FKRP):c.214C>T (p.Gln72Ter)

Gene: FKRP (fukutin related protein; plus strand). Cytogenetic location: 19q13.32.
Variant type: single nucleotide variant.
Coding change: c.214C>T on transcript NM_024301.5 (MANE Select); coding-DNA position 214, C replaced by T.
Protein change: p.Gln72Ter; replaces glutamine 72 with a stop codon.
Molecular consequence: nonsense.
Genome position (GRCh38, 1-based): chr19:46,755,664, C>T. VCF-style: chr19-46755664-C-T. GRCh37 (hg19) VCF-style: chr19-47258921-C-T.
Other names: c.214C>T, p.Gln72Ter (NM_001039885.3); short protein forms Q72*.
Identifiers: ClinVar variation 555406 (VCV000555406.6), dbSNP rs1555738201, ClinGen allele CA406494888.
Genomic context (GRCh38, chr19:46,755,664, plus strand): 5'-CTGGTGCGGGAGTTCGAGGCATTTGACAACGCGGTGCCCGAGCTGGTAGACTCCTTCCTG[C>T]AGCAAGACCCAGCCCAGCCCGTGGTGGTGGCAGCCGACACGCTCCCCTACCCGCCCCTGG-3'

ClinVar aggregate classification (germline): Pathogenic/Likely pathogenic. Review status: criteria provided, multiple submitters, no conflicts (2 of 4 stars). 3 submissions from 3 submitters: Pathogenic (1); Likely pathogenic (1). 1 of the submissions does not count toward it. Last evaluated 2025-03-03.

Conditions:
Autosomal recessive limb-girdle muscular dystrophy type 2I. Also called: MUSCULAR DYSTROPHY-DYSTROGLYCANOPATHY (LIMB-GIRDLE), TYPE C, 5; MUSCULAR DYSTROPHY, LIMB-GIRDLE, TYPE 2I; MUSCULAR DYSTROPHY-DYSTROGLYCANOPATHY, LIMB-GIRDLE, FRKP-RELATED. Identifiers: Orphanet 34515, MedGen C1846672, MONDO:0011787, OMIM 607155.
Walker-Warburg congenital muscular dystrophy. Also called: Muscular dystrophy-dystroglycanopathy, type A; Walker-Warburg syndrome. Identifiers: Orphanet 899, MedGen C0265221, MONDO:0000171.

Submissions (3):

GeneDx
Classification: Likely pathogenic. Last evaluated: 2025-03-03. Review status: criteria provided, single submitter. Criteria: GeneDx Variant Classification Process June 2021. Collection method: clinical testing. Allele origin: germline. Affected: yes.
Comment: Nonsense variant predicted to result in protein truncation, as the last 424 amino acids are lost, and other loss-of-function variants have been reported downstream in HGMD; Not observed at significant frequency in large population cohorts (gnomAD); This variant is associated with the following publications: (PMID: 33973272, 38544359)

Labcorp Genetics (formerly Invitae), Labcorp
Classification: Pathogenic for Walker-Warburg congenital muscular dystrophy. Last evaluated: 2023-01-17. Review status: criteria provided, single submitter. Criteria: Invitae Variant Classification Sherloc (09022015). Collection method: clinical testing. Allele origin: germline.
Comment: This variant has not been reported in the literature in individuals affected with FKRP-related conditions. For these reasons, this variant has been classified as Pathogenic. This variant disrupts a region of the FKRP protein in which other variant(s) (p.Q460*) have been determined to be pathogenic (PMID: 16476814; Invitae). This suggests that this is a clinically significant region of the protein, and that variants that disrupt it are likely to be disease-causing. ClinVar contains an entry for this variant (Variation ID: 555406). This variant is not present in population databases (gnomAD no frequency). This sequence change creates a premature translational stop signal (p.Gln72*) in the FKRP gene. While this is not anticipated to result in nonsense mediated decay, it is expected to disrupt the last 424 amino acid(s) of the FKRP protein.

Counsyl
Classification: Likely pathogenic for Autosomal recessive limb-girdle muscular dystrophy type 2I. Last evaluated: 2017-12-04. Review status: no assertion criteria provided. Collection method: clinical testing. Allele origin: unknown. Not counted in ClinVar's aggregate classification.

Literature cited by the submitters: PubMed 16476814 (cited by Labcorp Genetics (formerly Invitae), Labcorp).